The following is an entry in ClinVar:

NM_001182.5(ALDH7A1):c.1565G>C (p.Cys522Ser)

Gene: ALDH7A1 (aldehyde dehydrogenase 7 family member A1; minus strand). Cytogenetic location: 5q23.2.
Variant type: single nucleotide variant.
Coding change: c.1565G>C on transcript NM_001182.5 (MANE Select); coding-DNA position 1565, G replaced by C.
Protein change: p.Cys522Ser; replaces cysteine 522 with serine.
Molecular consequence: missense variant.
Genome position (GRCh38, 1-based): chr5:126,546,324, C>G on the plus strand (G>C on the coding strand, the complement: ALDH7A1 is on the minus strand). VCF-style: chr5-126546324-C-G. GRCh37 (hg19) VCF-style: chr5-125882016-C-G.
Other names: c.1481G>C, p.Cys494Ser (NM_001201377.2); c.1373G>C, p.Cys458Ser (NM_001202404.2); short protein forms C522S, C458S, C494S.
Identifiers: ClinVar variation 382292 (VCV000382292.3), dbSNP rs1057521316, ClinGen allele CA16604812.
Genomic context (GRCh38, chr5:126,546,324, plus strand): 5'-GTAAAAGCCCATTCCCAAGGGTTTTAAGCCCAAACCTATCTTCCCAAAGCCTTTTCTTAC[C>G]AAGTAGACCTTCTCATGTACTGTTTCCAGGCATCACTGCCAGACTCCCTGCCACCACCAG-3'
Protein context (NP_001173.2, residues 512-532): AWKQYMRRST[Cys522Ser]TINYSKDLPL

ClinVar aggregate classification (germline): Likely pathogenic (1 of 4 stars; one submission).

Submission:

GeneDx
Classification: Likely pathogenic. Last evaluated: 2026-07-29. Review status: criteria provided, single submitter. Criteria: GeneDx Variant Classification Process June 2021. Collection method: clinical testing. Allele origin: germline.
Comment: Alters the last nucleotide of the exon and is predicted to destroy the splice donor site and result in aberrant splicing, although in the absence of functional evidence the actual effect of this sequence change is unknown; Not observed at significant frequency in large population cohorts (gnomAD); Has not been previously published as pathogenic or benign to our knowledge